The following is an entry in ClinVar:

ClinVar aggregate classification (germline): Uncertain significance (1 of 4 stars; one submission).

Conditions:
Vici syndrome (VICIS). Identifiers: Orphanet 1493, MedGen C1855772, MONDO:0009452, OMIM 242840.

Allele frequency attached by ClinVar (database versions not stated): gnomAD 0.00001; gnomAD exomes 0.00001 and 0.00002; ExAC 0.00003; TOPMed 0.00006.

Submission:

Labcorp Genetics (formerly Invitae), Labcorp
Classification: Uncertain significance for Vici syndrome. Last evaluated: 2022-08-09. Review status: criteria provided, single submitter. Criteria: Invitae Variant Classification Sherloc (09022015). Collection method: clinical testing. Allele origin: germline.
Comment: This sequence change replaces serine, which is neutral and polar, with glycine, which is neutral and non-polar, at codon 35 of the EPG5 protein (p.Ser35Gly). This variant is present in population databases (rs746311646, gnomAD 0.01%). This variant has not been reported in the literature in individuals affected with EPG5-related conditions. ClinVar contains an entry for this variant (Variation ID: 943472). Algorithms developed to predict the effect of missense changes on protein structure and function (SIFT, PolyPhen-2, Align-GVGD) all suggest that this variant is likely to be tolerated. In summary, the available evidence is currently insufficient to determine the role of this variant in disease. Therefore, it has been classified as a Variant of Uncertain Significance.

NM_020964.3(EPG5):c.103A>G (p.Ser35Gly)

Gene: EPG5 (ectopic P-granules 5 autophagy tethering factor; minus strand). Cytogenetic location: 18q21.1.
Variant type: single nucleotide variant.
Coding change: c.103A>G on transcript NM_020964.3 (MANE Select); coding-DNA position 103, A replaced by G.
Protein change: p.Ser35Gly; replaces serine 35 with glycine.
Molecular consequence: missense variant.
Genome position (GRCh38, 1-based): chr18:45,955,299, T>C on the plus strand (A>G on the coding strand, the complement: EPG5 is on the minus strand). VCF-style: chr18-45955299-T-C. GRCh37 (hg19) VCF-style: chr18-43535265-T-C.
Other names: short protein forms S35G.
Identifiers: ClinVar variation 943472 (VCV000943472.8), dbSNP rs746311646, ClinGen allele CA8950009.